The following is an entry in ClinVar:

ClinVar aggregate classification (germline): Likely benign (1 of 4 stars; one submission).

Conditions:
Pheochromocytoma/paraganglioma syndrome 5. Also called: Paragangliomas 5; SDHA-Related Hereditary Paraganglioma-Pheochromocytoma Syndrome. Identifiers: Orphanet 29072, MedGen C3279992, MONDO:0013602, OMIM 614165.

Submission:

Myriad Genetics, Inc.
Classification: Likely benign for Pheochromocytoma/paraganglioma syndrome 5. Last evaluated: 2025-02-28. Review status: criteria provided, single submitter. Criteria: Myriad Autosomal Dominant, Autosomal Recessive and X-Linked Classification Criteria (2023). Collection method: clinical testing. Allele origin: unknown.
Comment: This variant is considered likely benign. This variant is intronic and is not expected to impact mRNA splicing.

NM_004168.4(SDHA):c.313-14G>C

Gene: SDHA (succinate dehydrogenase complex flavoprotein subunit A; plus strand). Cytogenetic location: 5p15.33.
Variant type: single nucleotide variant.
Coding change: c.313-14G>C on transcript NM_004168.4 (MANE Select); 14 bases into the intron before coding-DNA position 313, G replaced by C.
Molecular consequence: intron variant.
Genome position (GRCh38, 1-based): chr5:225,405, G>C. VCF-style: chr5-225405-G-C. GRCh37 (hg19) VCF-style: chr5-225520-G-C.
Other names: c.313-14G>C (NM_001330758.2); c.313-478G>C (NM_001294332.2).
Identifiers: ClinVar variation 3904395 (VCV003904395.1).